The following is an entry in ClinVar:

NM_015338.6(ASXL1):c.2873C>T (p.Ser958Leu)

Gene: ASXL1 (ASXL transcriptional regulator 1; plus strand). Cytogenetic location: 20q11.21.
Variant type: single nucleotide variant.
Coding change: c.2873C>T on transcript NM_015338.6 (MANE Select); coding-DNA position 2873, C replaced by T.
Protein change: p.Ser958Leu; replaces serine 958 with leucine.
Molecular consequence: missense variant.
Genome position (GRCh38, 1-based): chr20:32,435,585, C>T. VCF-style: chr20-32435585-C-T. GRCh37 (hg19) VCF-style: chr20-31023388-C-T.
Other names: c.2690C>T, p.Ser897Leu (NM_001363734.1); short protein forms S897L, S958L.
Identifiers: ClinVar variation 2209166 (VCV002209166.6), dbSNP rs763638795, ClinGen allele CA9808711.

ClinVar aggregate classification (germline): Conflicting classifications of pathogenicity. Review status: criteria provided, conflicting classifications (1 of 4 stars). 2 submissions from 2 submitters: Uncertain significance (1); Likely benign (1). Last evaluated 2025-10-09.

Conditions:
Inborn genetic diseases. Identifiers: MedGen C0950123, MeSH D030342.

Allele frequency attached by ClinVar (database versions not stated): ExAC 0.00002; gnomAD exomes 0.00001.
gnomAD v4.1: 16 of 1,614,046 alleles (0.00099%); highest among the groups gnomAD compares: Non-Finnish European, 0.0013%; no homozygotes.

Submissions (2):

Labcorp Genetics (formerly Invitae), Labcorp
Classification: Uncertain significance. Last evaluated: 2025-10-09. Review status: criteria provided, single submitter. Criteria: Invitae Variant Classification Sherloc (09022015). Collection method: clinical testing. Allele origin: germline.
Comment: This sequence change replaces serine, which is neutral and polar, with leucine, which is neutral and non-polar, at codon 958 of the ASXL1 protein (p.Ser958Leu). This variant is present in population databases (rs763638795, gnomAD 0.007%). This variant has not been reported in the literature in individuals affected with ASXL1-related conditions. ClinVar contains an entry for this variant (Variation ID: 2209166). An algorithm developed to predict the effect of missense changes on protein structure and function outputs the following: PolyPhen-2: "Benign". The leucine amino acid residue is found in multiple mammalian species, which suggests that this missense change does not adversely affect protein function. In summary, the available evidence is currently insufficient to determine the role of this variant in disease. Therefore, it has been classified as a Variant of Uncertain Significance.

Ambry Genetics
Classification: Likely benign for Inborn genetic diseases. Last evaluated: 2024-12-08. Review status: criteria provided, single submitter. Criteria: Ambry Variant Classification Scheme 2023. Collection method: clinical testing. Allele origin: germline.